The following is an entry in ClinVar:

ClinVar aggregate classification (germline): Likely benign. Review status: criteria provided, multiple submitters, no conflicts (2 of 4 stars). 3 submissions from 3 submitters: Likely benign (3). Last evaluated 2025-07-11.

Conditions:
Breast-ovarian cancer, familial, susceptibility to, 4. Identifiers: Orphanet 145, MedGen C3280345, MONDO:0013669, OMIM 614291.

Allele frequency attached by ClinVar (database versions not stated): TOPMed 0.00001.
gnomAD v4.1: 3 of 1,608,784 alleles (0.00019%); highest among the groups gnomAD compares: Non-Finnish European, 0.00026%; no homozygotes.

Submissions (3):

Labcorp Genetics (formerly Invitae), Labcorp
Classification: Likely benign for Breast-ovarian cancer, familial, susceptibility to, 4. Last evaluated: 2025-07-11. Review status: criteria provided, single submitter. Criteria: Invitae Variant Classification Sherloc (09022015). Collection method: clinical testing. Allele origin: germline.

Myriad Genetics, Inc.
Classification: Likely benign for Breast-ovarian cancer, familial, susceptibility to, 4. Last evaluated: 2025-02-20. Review status: criteria provided, single submitter. Criteria: Myriad Autosomal Dominant, Autosomal Recessive and X-Linked Classification Criteria (2023). Collection method: clinical testing. Allele origin: unknown.
Comment: This variant is considered likely benign. This variant is intronic and is not expected to impact mRNA splicing.

GeneDx
Classification: Likely benign. Last evaluated: 2017-05-02. Review status: criteria provided, single submitter. Criteria: GeneDx Variant Classification (06012015). Collection method: clinical testing. Allele origin: germline. Affected: yes.
Comment: This variant is considered likely benign or benign based on one or more of the following criteria: it is a conservative change, it occurs at a poorly conserved position in the protein, it is predicted to be benign by multiple in silico algorithms, and/or has population frequency not consistent with disease.

NM_002878.4(RAD51D):c.83-19A>G

Genes: RAD51D (RAD51 paralog D; minus strand), RAD51L3-RFFL (RAD51L3-RFFL readthrough; minus strand). Cytogenetic location: 17q12.
Variant type: single nucleotide variant.
Coding change: c.83-19A>G on transcript NM_002878.4 (MANE Select); 19 bases into the intron before coding-DNA position 83, A replaced by G.
Molecular consequence: intron variant.
Genome position (GRCh38, 1-based): chr17:35,119,191, T>C on the plus strand (A>G on the coding strand, the complement: RAD51D is on the minus strand). VCF-style: chr17-35119191-T-C. GRCh37 (hg19) VCF-style: chr17-33446210-T-C.
Other names: c.83-19A>G (NM_133629.3, NM_001142571.2).
Identifiers: ClinVar variation 389936 (VCV000389936.7), dbSNP rs1057523591, ClinGen allele CA16607619.